The following is an entry in ClinVar:

ClinVar aggregate classification (germline): Conflicting classifications of pathogenicity. Review status: criteria provided, conflicting classifications (1 of 4 stars). 3 submissions from 3 submitters: Uncertain significance (2); Likely benign (1). Last evaluated 2024-10-14.

Conditions:
Holoprosencephaly 11 (HPE11). Identifiers: Orphanet 2162, MedGen C3280215, MONDO:0013642, OMIM 614226.
Inborn genetic diseases. Identifiers: MedGen C0950123, MeSH D030342.

Allele frequency attached by ClinVar (database versions not stated): gnomAD 0.00001; TOPMed 0.00001; ESP Exome Variant Server 0.00008; ExAC 0.00002.
gnomAD v4.1: 12 of 1,613,938 alleles (0.00074%); highest among the groups gnomAD compares: Admixed American, 0.005%; no homozygotes.

Submissions (3):

Labcorp Genetics (formerly Invitae), Labcorp
Classification: Uncertain significance for Holoprosencephaly 11. Last evaluated: 2024-10-14. Review status: criteria provided, single submitter. Criteria: Invitae Variant Classification Sherloc (09022015). Collection method: clinical testing. Allele origin: germline.
Comment: This sequence change replaces arginine, which is basic and polar, with histidine, which is basic and polar, at codon 58 of the CDON protein (p.Arg58His). This variant is present in population databases (rs377281257, gnomAD 0.003%). This variant has not been reported in the literature in individuals affected with CDON-related conditions. ClinVar contains an entry for this variant (Variation ID: 2072075). An algorithm developed to predict the effect of missense changes on protein structure and function outputs the following: PolyPhen-2: "Benign". The histidine amino acid residue is found in multiple mammalian species, which suggests that this missense change does not adversely affect protein function. In summary, the available evidence is currently insufficient to determine the role of this variant in disease. Therefore, it has been classified as a Variant of Uncertain Significance.

Women's Health and Genetics/Laboratory Corporation of America, LabCorp
Classification: Uncertain significance. Last evaluated: 2023-12-26. Review status: criteria provided, single submitter. Criteria: LabCorp Variant Classification Summary - May 2015. Collection method: clinical testing. Allele origin: germline.
Comment: Variant summary: CDON c.173G>A (p.Arg58His) results in a non-conservative amino acid change located in the Immunoglobulin subtype 2 domain (IPR003598) of the encoded protein sequence. Four of five in-silico tools predict a benign effect of the variant on protein function. The variant allele was found at a frequency of 2e-05 in 251278 control chromosomes (gnomAD). The available data on variant occurrences in the general population are insufficient to allow any conclusion about variant significance. To our knowledge, no occurrence of c.173G>A in individuals affected with Holoprosencephaly 11 and no experimental evidence demonstrating its impact on protein function have been reported. Two submitters have cited clinical-significance assessments for this variant to ClinVar after 2014. One submitter classified the variant as likely benign, and one submitter classified the variant as uncertain significance. Based on the evidence outlined above, the variant was classified as uncertain significance.

Ambry Genetics
Classification: Likely benign for Inborn genetic diseases. Last evaluated: 2021-07-14. Review status: criteria provided, single submitter. Criteria: Ambry Variant Classification Scheme 2023. Collection method: clinical testing. Allele origin: germline.

NM_001378964.1(CDON):c.173G>A (p.Arg58His)

Gene: CDON (cell adhesion associated, oncogene regulated; minus strand). Cytogenetic location: 11q24.2.
Variant type: single nucleotide variant.
Coding change: c.173G>A on transcript NM_001378964.1 (MANE Select); coding-DNA position 173, G replaced by A.
Protein change: p.Arg58His; replaces arginine 58 with histidine.
Molecular consequence: missense variant.
Genome position (GRCh38, 1-based): chr11:126,021,424, C>T on the plus strand (G>A on the coding strand, the complement: CDON is on the minus strand). VCF-style: chr11-126021424-C-T. GRCh37 (hg19) VCF-style: chr11-125891319-C-T.
Other names: c.173G>A, p.Arg58His (NM_001243597.3, NM_016952.6); short protein forms R58H.
Identifiers: ClinVar variation 2072075 (VCV002072075.6), dbSNP rs377281257, ClinGen allele CA6352398.